The following is an entry in ClinVar:

ClinVar aggregate classification (germline): Uncertain significance (1 of 4 stars; one submission).

Conditions:
Cardiovascular phenotype. Identifiers: MedGen CN230736.

gnomAD v4.1: 2 of 1,613,808 alleles (0.00012%); highest among the groups gnomAD compares: Non-Finnish European, 0.00017%; no homozygotes.

Submission:

Ambry Genetics
Classification: Uncertain significance for Cardiovascular phenotype. Last evaluated: 2025-04-20. Review status: criteria provided, single submitter. Criteria: Ambry Variant Classification Scheme 2023. Collection method: clinical testing. Allele origin: germline.
Comment: The p.M233K variant (also known as c.698T>A), located in coding exon 2 of the LOX gene, results from a T to A substitution at nucleotide position 698. The methionine at codon 233 is replaced by lysine, an amino acid with similar properties. This amino acid position is conserved. In addition, this alteration is predicted to be deleterious by in silico analysis. Based on the available evidence, the clinical significance of this variant remains unclear.

NM_002317.7(LOX):c.698T>A (p.Met233Lys)

Genes: LOX (lysyl oxidase; minus strand), SRFBP1 (serum response factor binding protein 1; plus strand). Cytogenetic location: 5q23.1.
Variant type: single nucleotide variant.
Coding change: c.698T>A on transcript NM_002317.7 (MANE Select); coding-DNA position 698, T replaced by A.
Protein change: p.Met233Lys; replaces methionine 233 with lysine.
Molecular consequence: missense variant. On other transcripts: intron variant (1).
Genome position (GRCh38, 1-based): chr5:122,076,935, A>T on the plus strand (T>A on the coding strand, the complement: LOX is on the minus strand). VCF-style: chr5-122076935-A-T. GRCh37 (hg19) VCF-style: chr5-121412630-A-T.
Other names: c.8T>A, p.Met3Lys (NM_001178102.2); c.-152+157T>A (NM_001317073.1); short protein forms M233K, M3K.
Identifiers: ClinVar variation 4048008 (VCV004048008.1).